The following is an entry in ClinVar:

ClinVar aggregate classification (germline): Uncertain significance (1 of 4 stars; one submission).

Conditions:
Hawkinsinuria. Identifiers: Orphanet 2118, MedGen C2931042, MONDO:0007700, OMIM 140350, HP:0034457.
Tyrosinemia type III. Also called: Tyrosinemia type 3; 4-alpha hydroxyphenylpyruvic acid oxidase deficiency; 4-alpha hydroxyphenylpyruvate dioxygenase deficiency; 4-Hydroxyphenylpyruvate dioxygenase deficiency; 4-HYDROXYPHENYLPYRUVIC ACID OXIDASE DEFICIENCY. Identifiers: Orphanet 69723, MedGen C0268623, MONDO:0010162, OMIM 276710.

Allele frequency attached by ClinVar (database versions not stated): gnomAD exomes below 0.00001 and 0.00002; ExAC 0.00001; gnomAD 0.00003 and 0.00004; TOPMed 0.00003.
gnomAD v4.1: 40 of 1,614,024 alleles (0.0025%); highest among the groups gnomAD compares: Middle Eastern, 0.016%; no homozygotes.

Submission:

Labcorp Genetics (formerly Invitae), Labcorp
Classification: Uncertain significance for Tyrosinemia type III; Hawkinsinuria. Last evaluated: 2024-03-07. Review status: criteria provided, single submitter. Criteria: Invitae Variant Classification Sherloc (09022015). Collection method: clinical testing. Allele origin: germline.
Comment: This sequence change replaces valine, which is neutral and non-polar, with methionine, which is neutral and non-polar, at codon 212 of the HPD protein (p.Val212Met). This variant is present in population databases (rs780501941, gnomAD 0.004%). This missense change has been observed in individual(s) with clinical features of hawkinsinuria (PMID: 26226126). ClinVar contains an entry for this variant (Variation ID: 846753). An algorithm developed to predict the effect of missense changes on protein structure and function (PolyPhen-2) suggests that this variant is likely to be disruptive. In summary, the available evidence is currently insufficient to determine the role of this variant in disease. Therefore, it has been classified as a Variant of Uncertain Significance.

Literature cited by the submitters: PubMed 26226126.

NM_002150.3(HPD):c.634G>A (p.Val212Met)

Genes: HPD (4-hydroxyphenylpyruvate dioxygenase; minus strand), TIALD (transcript inducer of AURKA lysosomal degradation; plus strand). Cytogenetic location: 12q24.31.
Variant type: single nucleotide variant.
Coding change: c.634G>A on transcript NM_002150.3 (MANE Select); coding-DNA position 634, G replaced by A.
Protein change: p.Val212Met; replaces valine 212 with methionine.
Molecular consequence: missense variant.
Genome position (GRCh38, 1-based): chr12:121,847,177, C>T on the plus strand (G>A on the coding strand, the complement: HPD is on the minus strand). VCF-style: chr12-121847177-C-T. GRCh37 (hg19) VCF-style: chr12-122285083-C-T.
Other names: c.517G>A, p.Val173Met (NM_001171993.2); short protein forms V173M, V212M.
Identifiers: ClinVar variation 846753 (VCV000846753.9), dbSNP rs780501941, ClinGen allele CA6839585.